The following is an entry in ClinVar:

ClinVar aggregate classification (germline): Pathogenic/Likely pathogenic. Review status: criteria provided, multiple submitters, no conflicts (2 of 4 stars). 2 submissions from 2 submitters: Pathogenic (1); Likely pathogenic (1). Last evaluated 2026-01-14.

Conditions:
POLH-related disorder. Also called: POLH-related condition.

Submissions (2):

PreventionGenetics, part of Exact Sciences
Classification: Likely pathogenic for POLH-related condition. Last evaluated: 2026-01-14. Review status: criteria provided, single submitter. Criteria: ACMG Guidelines, 2015. Collection method: clinical testing. Allele origin: germline.
Comment: The POLH c.54delT variant is predicted to result in a frameshift and premature protein termination (p.Phe18Leufs*12). This variant has been reported in an individual identified through population-based screening (Table S2, Saad et al. 2022. PubMed ID: 3515060). This variant has not been reported in a large population database (gnomAD), indicating this variant is rare. Frameshift variants in POLH are expected to be pathogenic. This variant is interpreted as likely pathogenic.

Labcorp Genetics (formerly Invitae), Labcorp
Classification: Pathogenic. Last evaluated: 2023-05-28. Review status: criteria provided, single submitter. Criteria: Invitae Variant Classification Sherloc (09022015). Collection method: clinical testing. Allele origin: germline.
Comment: This sequence change creates a premature translational stop signal (p.Phe18Leufs*12) in the POLH gene. It is expected to result in an absent or disrupted protein product. Loss-of-function variants in POLH are known to be pathogenic (PMID: 11773631, 24130121, 25256075). This variant is not present in population databases (gnomAD no frequency). This variant has not been reported in the literature in individuals affected with POLH-related conditions. For these reasons, this variant has been classified as Pathogenic.

Literature cited by the submitters: PubMed 11773631 (cited by Labcorp Genetics (formerly Invitae), Labcorp); PubMed 24130121 (cited by Labcorp Genetics (formerly Invitae), Labcorp); PubMed 25256075 (cited by Labcorp Genetics (formerly Invitae), Labcorp).

NM_006502.3(POLH):c.54del (p.Phe18fs)

Gene: POLH (DNA polymerase eta; plus strand). Cytogenetic location: 6p21.1.
Variant type: Deletion.
Coding change: c.54del on transcript NM_006502.3 (MANE Select); coding-DNA position 54, one base deleted (T; older notation c.54delT).
Protein change: p.Phe18fs; shifts the reading frame from phenylalanine 18.
Molecular consequence: frameshift variant. On other transcripts: intron variant (1).
Genome position (GRCh38, 1-based): chr6:43,582,373, T deleted; the last of 7 consecutive T bases (chr6:43,582,367-43,582,373); deleting any one gives the same sequence. VCF-style (leftmost placement, unchanged base first): chr6-43582366-GT-G. GRCh37 (hg19) VCF-style: chr6-43550103-GT-G.
Other names: c.54del, p.Phe18fs (NM_001291970.2); c.-17-634del (NM_001291969.2); short protein forms F18fs.
Identifiers: ClinVar variation 2865714 (VCV002865714.4), dbSNP rs1308019449, ClinGen allele CA645541855.